The following is an entry in ClinVar:

NM_004329.3(BMPR1A):c.1467T>G (p.Ser489Arg)

Gene: BMPR1A (bone morphogenetic protein receptor type 1A; plus strand). Cytogenetic location: 10q23.2.
Variant type: single nucleotide variant.
Coding change: c.1467T>G on transcript NM_004329.3 (MANE Select); coding-DNA position 1467, T replaced by G.
Protein change: p.Ser489Arg; replaces serine 489 with arginine.
Molecular consequence: missense variant. On other transcripts: non-coding transcript variant (3).
Genome position (GRCh38, 1-based): chr10:86,923,500, T>G. VCF-style: chr10-86923500-T-G. GRCh37 (hg19) VCF-style: chr10-88683257-T-G.
Other names: c.1542T>G, p.Ser514Arg (NM_001406559.1); c.1515T>G, p.Ser505Arg (NM_001406560.1); c.1467T>G, p.Ser489Arg (NM_001406561.1, NM_001406562.1, NM_001406563.1 and 19 more transcripts); c.1461T>G, p.Ser487Arg (NM_001406583.1); c.1383T>G, p.Ser461Arg (NM_001406584.1, NM_001406585.1, NM_001406586.1 and 2 more transcripts); c.1125T>G, p.Ser375Arg (NM_001406589.1); short protein forms S487R, S375R, S489R, S514R, S461R, S505R.
Identifiers: ClinVar variation 3261213 (VCV003261213.1).

ClinVar aggregate classification (germline): Uncertain significance (1 of 4 stars; one submission).

Conditions:
Hereditary cancer-predisposing syndrome. Also called: Hereditary Cancer Syndrome; Tumor predisposition; Hereditary neoplastic syndrome; Neoplastic Syndromes, Hereditary. Identifiers: Orphanet 140162, MedGen C0027672, MeSH D009386, MONDO:0015356.

Submission:

Ambry Genetics
Classification: Uncertain significance for Hereditary cancer-predisposing syndrome. Last evaluated: 2024-05-01. Review status: criteria provided, single submitter. Criteria: Ambry Variant Classification Scheme 2023. Collection method: clinical testing. Allele origin: germline.
Comment: The p.S489R variant (also known as c.1467T>G), located in coding exon 10 of the BMPR1A gene, results from a T to G substitution at nucleotide position 1467. The serine at codon 489 is replaced by arginine, an amino acid with dissimilar properties. This amino acid position is highly conserved in available vertebrate species. In addition, the in silico prediction for this alteration is inconclusive. Based on the available evidence, the clinical significance of this variant remains unclear.